The following is an entry in ClinVar:

ClinVar aggregate classification (germline): Conflicting classifications of pathogenicity. Review status: criteria provided, conflicting classifications (1 of 4 stars). 3 submissions from 3 submitters: Uncertain significance (1); Likely benign (1). 1 of the submissions does not count toward it. Last evaluated 2026-01-22.

Conditions:
Candidiasis, familial, 8 (CANDF8). Identifiers: Orphanet 1334, MedGen C3714992, MONDO:0014230, OMIM 615527.
TRAF3IP2-related disorder. Also called: TRAF3IP2-related condition.

Allele frequency attached by ClinVar (database versions not stated): gnomAD exomes 0.00050; ExAC 0.00069; 1000 Genomes Project 30x 0.00187; 1000 Genomes Project 0.00200; gnomAD 0.00211 and 0.00229; TOPMed 0.00215; ESP Exome Variant Server 0.00223.
gnomAD v4.1: 612 of 1,614,198 alleles (0.038%); highest among the groups gnomAD compares: African/African-American, 0.73%; 2 homozygotes.

Submissions (3):

Labcorp Genetics (formerly Invitae), Labcorp
Classification: Likely benign for Candidiasis, familial, 8. Last evaluated: 2026-01-22. Review status: criteria provided, single submitter. Criteria: Invitae Variant Classification Sherloc (09022015). Collection method: clinical testing. Allele origin: germline.

Baylor Genetics
Classification: Uncertain significance for Candidiasis, familial, 8. Last evaluated: 2018-04-14. Review status: criteria provided, single submitter. Criteria: ACMG Guidelines, 2015. Collection method: clinical testing. Allele origin: maternal. Affected: yes.
Comment: This variant was determined to be of uncertain significance according to ACMG Guidelines, 2015 [PMID:25741868].

PreventionGenetics, part of Exact Sciences
Classification: Benign for TRAF3IP2-related condition. Last evaluated: 2019-11-06. Review status: no assertion criteria provided. Collection method: clinical testing. Allele origin: germline. Not counted in ClinVar's aggregate classification.
Comment: This variant is classified as benign based on ACMG/AMP sequence variant interpretation guidelines (Richards et al. 2015 PMID: 25741868, with internal and published modifications).

NM_147686.4(TRAF3IP2):c.232C>G (p.Arg78Gly)

Genes: TRAF3IP2 (TRAF3 interacting protein 2; minus strand), TRAF3IP2-AS1 (TRAF3IP2 antisense RNA 1; plus strand), LOC114803478 (TRAF3IP2 eExon liver enhancer; plus strand). Cytogenetic location: 6q21.
Variant type: single nucleotide variant.
Coding change: c.232C>G on transcript NM_147686.4 (MANE Select); coding-DNA position 232, C replaced by G.
Protein change: p.Arg78Gly; replaces arginine 78 with glycine.
Molecular consequence: missense variant.
Genome position (GRCh38, 1-based): chr6:111,591,855, G>C on the plus strand (C>G on the coding strand, the complement: TRAF3IP2 is on the minus strand). VCF-style: chr6-111591855-G-C. GRCh37 (hg19) VCF-style: chr6-111913058-G-C.
Other names: c.232C>G, p.Arg78Gly (NM_001164281.3); c.259C>G, p.Arg87Gly (NM_147200.3); short protein forms R78G, R87G.
Identifiers: ClinVar variation 720205 (VCV000720205.15), dbSNP rs73764462, ClinGen allele CA3963363.